The following is an entry in ClinVar:

ClinVar aggregate classification (germline): Benign (1 of 4 stars; one submission).

Conditions:
MELAS syndrome (MELAS). Also called: Juvenile myopathy, encephalopathy, lactic acidosis, stroke. Identifiers: Orphanet 550, MedGen C0162671, MONDO:0010789, OMIM 540000.

Submission:

Wong Mito Lab, Molecular and Human Genetics, Baylor College of Medicine
Classification: Benign for MELAS syndrome. Last evaluated: 2019-07-12. Review status: criteria provided, single submitter. Criteria: Modified ACMG Guidelines (Unpublished). Collection method: clinical testing. Allele origin: germline.
Comment: The NC_012920.1:m.5563G>A variant in MT-TW gene is interpreted to be a Benign variant based on the modified ACMG guidelines (unpublished). This variant meets the following evidence codes reported in the guidelines: BS1, BS2, BP4

Literature cited by the submitters: PubMed 31965079.

NC_012920.1(MT-TW):m.5563G>A

Gene: MT-TW (mitochondrially encoded tRNA tryptophan; plus strand).
Variant type: single nucleotide variant.
Genome position: chrM-5563-G-A.
Identifiers: ClinVar variation 689943 (VCV000689943.1), dbSNP rs1603220027, ClinGen allele CA913179872.
Genomic context (GRCh38, chrMT:5,563, plus strand): 5'-TAATCTTATAGAAATTTAGGTTAAATACAGACCAAGAGCCTTCAAAGCCCTCAGTAAGTT[G>A]CAATACTTAATTTCTGTAACAGCTAAGGACTGCAAAACCCCACTCTGCATCAACTGAACG-3'